The following is an entry in ClinVar:

ClinVar aggregate classification (germline): Likely pathogenic (1 of 4 stars; one submission).

Submission:

GeneDx
Classification: Likely pathogenic. Last evaluated: 2026-04-17. Review status: criteria provided, single submitter. Criteria: GeneDx Variant Classification Process June 2021. Collection method: clinical testing. Allele origin: germline.
Comment: Not observed at significant frequency in large population cohorts (gnomAD); In silico analysis supports that this missense variant has a deleterious effect on protein structure/function; This variant is associated with the following publications: (PMID: 36533234)

NM_005267.5(GJA8):c.166A>G (p.Thr56Ala)

Gene: GJA8 (gap junction protein alpha 8; plus strand). Cytogenetic location: 1q21.2.
Variant type: single nucleotide variant.
Coding change: c.166A>G on transcript NM_005267.5 (MANE Select); coding-DNA position 166, A replaced by G.
Protein change: p.Thr56Ala; replaces threonine 56 with alanine.
Molecular consequence: missense variant.
Genome position (GRCh38, 1-based): chr1:147,908,121, A>G. VCF-style: chr1-147908121-A-G. GRCh37 (hg19) VCF-style: chr1-147380248-A-G.
Other names: short protein forms T56A.
Identifiers: ClinVar variation 5036902 (VCV005036902.1).